The following is an entry in ClinVar:

ClinVar aggregate classification (germline): Uncertain significance (1 of 4 stars; one submission).

Conditions:
Perlman syndrome (PRLMNS). Identifiers: Orphanet 2849, MedGen C0796113, MONDO:0009965, OMIM 267000.

gnomAD v4.1: 1 of 1,613,852 alleles (0.000062%); highest among the groups gnomAD compares: East Asian, 0.0022%; no homozygotes.

Submission:

Labcorp Genetics (formerly Invitae), Labcorp
Classification: Uncertain significance for Perlman syndrome. Last evaluated: 2022-06-13. Review status: criteria provided, single submitter. Criteria: Invitae Variant Classification Sherloc (09022015). Collection method: clinical testing. Allele origin: germline.
Comment: This variant has not been reported in the literature in individuals affected with DIS3L2-related conditions. In summary, the available evidence is currently insufficient to determine the role of this variant in disease. Therefore, it has been classified as a Variant of Uncertain Significance. Algorithms developed to predict the effect of missense changes on protein structure and function are either unavailable or do not agree on the potential impact of this missense change (SIFT: "Deleterious"; PolyPhen-2: "Probably Damaging"; Align-GVGD: "Class C0"). ClinVar contains an entry for this variant (Variation ID: 1004183). This variant is present in population databases (no rsID available, gnomAD 0.006%). This sequence change replaces arginine, which is basic and polar, with glycine, which is neutral and non-polar, at codon 742 of the DIS3L2 protein (p.Arg742Gly).

NM_152383.5(DIS3L2):c.2224C>G (p.Arg742Gly)

Gene: DIS3L2 (DIS3 like 3'-5' exoribonuclease 2; plus strand). Cytogenetic location: 2q37.1.
Variant type: single nucleotide variant.
Coding change: c.2224C>G on transcript NM_152383.5 (MANE Select); coding-DNA position 2224, C replaced by G.
Protein change: p.Arg742Gly; replaces arginine 742 with glycine.
Molecular consequence: missense variant. On other transcripts: non-coding transcript variant (2), intron variant (1).
Genome position (GRCh38, 1-based): chr2:232,334,434, C>G. VCF-style: chr2-232334434-C-G. GRCh37 (hg19) VCF-style: chr2-233199144-C-G.
Other names: c.1582-8911C>G (NM_001257281.2); short protein forms R742G.
Identifiers: ClinVar variation 1004183 (VCV001004183.8), dbSNP rs766597912, ClinGen allele CA350977749.